The following is an entry in ClinVar:

ClinVar aggregate classification (germline): Conflicting classifications of pathogenicity. Review status: criteria provided, conflicting classifications (1 of 4 stars). 3 submissions from 3 submitters: Likely pathogenic (1); Uncertain significance (2). Last evaluated 2025-12-28.

Conditions:
Neuronal ceroid lipofuscinosis 2. Also called: JANSKY-BIELSCHOWSKY DISEASE NEURONAL CEROID LIPOFUSCINOSIS, LATE INFANTILE; TPP1-Related Neuronal Ceroid-Lipofuscinosis. Identifiers: Orphanet 168491, Orphanet 228349, Orphanet 79264, MedGen C1876161, MONDO:0008769, OMIM 204500.

Submissions (3):

Myriad Genetics, Inc.
Classification: Uncertain significance for Neuronal ceroid lipofuscinosis 2. Last evaluated: 2025-12-28. Review status: criteria provided, single submitter. Criteria: Myriad Autosomal Dominant, Autosomal Recessive and X-Linked Classification Criteria (2023). Collection method: clinical testing. Allele origin: unknown.
Comment: NM_000391.3(TPP1):c.182T>C(L61P) is a missense variant classified as a variant of uncertain significance in the context of TPP1-related neuronal ceroid lipofuscinosis. L61P has not been observed in cases with relevant disease. Relevant functional assessments of this variant are not available in the literature. L61P has not been observed in referenced population frequency databases. In summary, there is insufficient evidence to classify NM_000391.3(TPP1):c.182T>C(L61P) as pathogenic or benign. Please note: this variant was assessed in the context of healthy population screening.

Women's Health and Genetics/Laboratory Corporation of America, LabCorp
Classification: Uncertain significance. Last evaluated: 2025-07-31. Review status: criteria provided, single submitter. Criteria: LabCorp Variant Classification Summary - May 2015. Collection method: clinical testing. Allele origin: germline.
Comment: Variant summary: TPP1 c.182T>C (p.Leu61Pro) results in a non-conservative amino acid change located in the activation domain (IPR015366) of the encoded protein sequence. Algorithms developed to predict the effect of missense changes on protein structure and function all suggest that this variant is likely to be disruptive. The variant was absent in 251382 control chromosomes. The available data on variant occurrences in the general population are insufficient to allow any conclusion about variant significance. To our knowledge, no occurrence of c.182T>C in individuals affected with Neuronal Ceroid-Lipofuscinosis (Batten Disease) and no experimental evidence demonstrating its impact on protein function have been reported. ClinVar contains an entry for this variant (Variation ID: 1504369). Based on the evidence outlined above, the variant was classified as uncertain significance.

Labcorp Genetics (formerly Invitae), Labcorp
Classification: Likely pathogenic. Last evaluated: 2021-11-30. Review status: criteria provided, single submitter. Criteria: Invitae Variant Classification Sherloc (09022015). Collection method: clinical testing. Allele origin: germline.
Comment: In summary, the currently available evidence indicates that the variant is pathogenic, but additional data are needed to prove that conclusively. Therefore, this variant has been classified as Likely Pathogenic. This variant disrupts the p.Leu61 amino acid residue in TPP1. Other variant(s) that disrupt this residue have been determined to be pathogenic (Invitae). This suggests that this residue is clinically significant, and that variants that disrupt this residue are likely to be disease-causing. Advanced modeling of protein sequence and biophysical properties (such as structural, functional, and spatial information, amino acid conservation, physicochemical variation, residue mobility, and thermodynamic stability) performed at Invitae indicates that this missense variant is expected to disrupt TPP1 protein function. This variant has not been reported in the literature in individuals affected with TPP1-related conditions. This variant is not present in population databases (gnomAD no frequency). This sequence change replaces leucine, which is neutral and non-polar, with proline, which is neutral and non-polar, at codon 61 of the TPP1 protein (p.Leu61Pro).

NM_000391.4(TPP1):c.182T>C (p.Leu61Pro)

Gene: TPP1 (tripeptidyl peptidase 1; minus strand). Cytogenetic location: 11p15.4.
Variant type: single nucleotide variant.
Coding change: c.182T>C on transcript NM_000391.4 (MANE Select); coding-DNA position 182, T replaced by C.
Protein change: p.Leu61Pro; replaces leucine 61 with proline.
Molecular consequence: missense variant.
Genome position (GRCh38, 1-based): chr11:6,618,823, A>G on the plus strand (T>C on the coding strand, the complement: TPP1 is on the minus strand). VCF-style: chr11-6618823-A-G. GRCh37 (hg19) VCF-style: chr11-6640054-A-G.
Other names: c.182T>C (NM_000391.3); short protein forms L61P.
Identifiers: ClinVar variation 1504369 (VCV001504369.10), dbSNP rs1060502179, ClinGen allele CA379476724.